The following is an entry in ClinVar:

ClinVar aggregate classification (germline): Uncertain significance. Review status: criteria provided, multiple submitters, no conflicts (2 of 4 stars). 4 submissions from 4 submitters: Uncertain significance (4). Last evaluated 2025-08-20.

Conditions:
Ellis-van Creveld syndrome (EVC). Also called: EVC-Related Ellis-van Creveld Syndrome; EVC2-Related Ellis-van Creveld Syndrome; MESOECTODERMAL DYSPLASIA; Chondroectodermal dysplasia. Identifiers: Orphanet 289, MedGen C0013903, MONDO:0009162, OMIM 225500.
Curry-Hall syndrome (WAD). Also called: WEYERS ACRODENTAL DYSOSTOSIS. Identifiers: Orphanet 952, MedGen C0457013, MONDO:0008673, OMIM 193530.
Inborn genetic diseases. Identifiers: MedGen C0950123, MeSH D030342.

Allele frequency attached by ClinVar (database versions not stated): gnomAD exomes 0.00006 and 0.00014; gnomAD 0.00008 and 0.00013; ExAC 0.00011; TOPMed 0.00013; ESP Exome Variant Server 0.00015.
gnomAD v4.1: 216 of 1,612,320 alleles (0.013%); highest among the groups gnomAD compares: Non-Finnish European, 0.017%; no homozygotes.

Submissions (4):

Ambry Genetics
Classification: Uncertain significance for Inborn genetic diseases. Last evaluated: 2025-08-20. Review status: criteria provided, single submitter. Criteria: Ambry Variant Classification Scheme 2023. Collection method: clinical testing. Allele origin: germline.

Labcorp Genetics (formerly Invitae), Labcorp
Classification: Uncertain significance for Curry-Hall syndrome; Ellis-van Creveld syndrome. Last evaluated: 2022-08-23. Review status: criteria provided, single submitter. Criteria: Invitae Variant Classification Sherloc (09022015). Collection method: clinical testing. Allele origin: germline.
Comment: This sequence change replaces glutamic acid, which is acidic and polar, with glycine, which is neutral and non-polar, at codon 508 of the EVC protein (p.Glu508Gly). This variant is present in population databases (rs370721640, gnomAD 0.01%). This variant has not been reported in the literature in individuals affected with EVC-related conditions. ClinVar contains an entry for this variant (Variation ID: 349180). Algorithms developed to predict the effect of missense changes on protein structure and function are either unavailable or do not agree on the potential impact of this missense change (SIFT: "Deleterious"; PolyPhen-2: "Benign"; Align-GVGD: "Class C0"). In summary, the available evidence is currently insufficient to determine the role of this variant in disease. Therefore, it has been classified as a Variant of Uncertain Significance.

GeneDx
Classification: Uncertain significance. Last evaluated: 2019-09-06. Review status: criteria provided, single submitter. Criteria: GeneDx Variant Classification Process June 2021. Collection method: clinical testing. Allele origin: germline. Affected: yes.
Comment: In silico analysis, which includes protein predictors and evolutionary conservation, supports a deleterious effect; Has not been previously published as pathogenic or benign to our knowledge

Illumina Laboratory Services, Illumina
Classification: Uncertain significance for Ellis-van Creveld syndrome. Last evaluated: 2018-01-13. Review status: criteria provided, single submitter. Criteria: ICSL Variant Classification Criteria 13 December 2019. Collection method: clinical testing. Allele origin: germline.

NM_153717.3(EVC):c.1523A>G (p.Glu508Gly)

Gene: EVC (EvC ciliary complex subunit 1; plus strand). Cytogenetic location: 4p16.2.
Variant type: single nucleotide variant.
Coding change: c.1523A>G on transcript NM_153717.3 (MANE Select); coding-DNA position 1523, A replaced by G.
Protein change: p.Glu508Gly; replaces glutamic acid 508 with glycine.
Molecular consequence: missense variant.
Genome position (GRCh38, 1-based): chr4:5,756,322, A>G. VCF-style: chr4-5756322-A-G. GRCh37 (hg19) VCF-style: chr4-5758049-A-G.
Other names: c.1523A>G, p.Glu508Gly (NM_001306090.2, NM_001306092.2); short protein forms E508G.
Identifiers: ClinVar variation 349180 (VCV000349180.10), dbSNP rs370721640, ClinGen allele CA2836146.
Genomic context (GRCh38, chr4:5,756,322, plus strand): 5'-AGGCTTTTCATGAGGTCCTGGAGAGGCAGAGGCTGATGCAGTGTGACCTGGAGGAAGAGG[A>G]GAATGTCAGAGCCACCGAGGCTGTGGTTGCACTCTGCCAGGTACATGGCCTCTGTGGGGA-3'
Protein context (NP_714928.1, residues 498-518): RLMQCDLEEE[Glu508Gly]NVRATEAVVA